The following is an entry in ClinVar:

ClinVar aggregate classification (germline): Uncertain significance. Review status: criteria provided, multiple submitters, no conflicts (2 of 4 stars). 2 submissions from 2 submitters: Uncertain significance (2). Last evaluated 2022-03-30.

Conditions:
Holt-Oram syndrome (HOS). Also called: Ventriculo-radial syndrome; Cardiac-limb syndrome; Heart-hand syndrome, type 1; TBX5-Related Holt-Oram Syndrome. Identifiers: Orphanet 392, MedGen C0265264, MONDO:0007732, OMIM 142900.
Cardiovascular phenotype. Identifiers: MedGen CN230736.

Allele frequency attached by ClinVar (database versions not stated): ExAC 0.00001; gnomAD 0.00001; gnomAD exomes 0.00001.
gnomAD v4.1: 9 of 1,613,966 alleles (0.00056%); highest among the groups gnomAD compares: Non-Finnish European, 0.00076%; 1 homozygote.

Submissions (2):

Ambry Genetics
Classification: Uncertain significance for Cardiovascular phenotype. Last evaluated: 2022-03-30. Review status: criteria provided, single submitter. Criteria: Ambry Variant Classification Scheme 2023. Collection method: clinical testing. Allele origin: germline.
Comment: The p.A440V variant (also known as c.1319C>T), located in coding exon 8 of the TBX5 gene, results from a C to T substitution at nucleotide position 1319. The alanine at codon 440 is replaced by valine, an amino acid with similar properties. This amino acid position is conserved. In addition, this alteration is predicted to be tolerated by in silico analysis. Since supporting evidence is limited at this time, the clinical significance of this alteration remains unclear.

Revvity Omics, Revvity
Classification: Uncertain significance for Holt-Oram syndrome. Last evaluated: 2022-02-08. Review status: criteria provided, single submitter. Criteria: ACMG Guidelines, 2015. Collection method: clinical testing. Allele origin: germline.

NM_181486.4(TBX5):c.1319C>T (p.Ala440Val)

Gene: TBX5 (T-box transcription factor 5; minus strand). Cytogenetic location: 12q24.21.
Variant type: single nucleotide variant.
Coding change: c.1319C>T on transcript NM_181486.4 (MANE Select); coding-DNA position 1319, C replaced by T.
Protein change: p.Ala440Val; replaces alanine 440 with valine.
Molecular consequence: missense variant.
Genome position (GRCh38, 1-based): chr12:114,355,770, G>A on the plus strand (C>T on the coding strand, the complement: TBX5 is on the minus strand). VCF-style: chr12-114355770-G-A. GRCh37 (hg19) VCF-style: chr12-114793575-G-A.
Other names: c.1319C>T, p.Ala440Val (NM_000192.3); c.1169C>T, p.Ala390Val (NM_080717.4); short protein forms A390V, A440V.
Identifiers: ClinVar variation 1769845 (VCV001769845.5), dbSNP rs770685602, ClinGen allele CA6809357.